The following is an entry in ClinVar:

ClinVar aggregate classification (germline): Benign/Likely benign. Review status: criteria provided, multiple submitters, no conflicts (2 of 4 stars). 2 submissions from 2 submitters: Benign (1); Likely benign (1). Last evaluated 2025-01-30.

Allele frequency attached by ClinVar (database versions not stated): TOPMed 0.00002.
gnomAD v4.1: 9 of 1,614,018 alleles (0.00056%); highest among the groups gnomAD compares: Middle Eastern, 0.016%; no homozygotes.

Submissions (2):

Labcorp Genetics (formerly Invitae), Labcorp
Classification: Benign. Last evaluated: 2025-01-30. Review status: criteria provided, single submitter. Criteria: Invitae Variant Classification Sherloc (09022015). Collection method: clinical testing. Allele origin: germline.

Women's Health and Genetics/Laboratory Corporation of America, LabCorp
Classification: Likely benign. Last evaluated: 2024-12-02. Review status: criteria provided, single submitter. Criteria: LabCorp Variant Classification Summary - May 2015. Collection method: clinical testing. Allele origin: germline.
Comment: Variant summary: KAT6A c.2829G>T alters a non-conserved nucleotide resulting in a synonymous change. Consensus agreement among computation tools predict no significant impact on normal splicing. However, these predictions have yet to be confirmed by functional studies. The variant allele was found at a frequency of 1.2e-05 in 251438 control chromosomes. The available data on variant occurrences in the general population are insufficient to allow any conclusion about variant significance. To our knowledge, no occurrence of c.2829G>T in individuals affected with Arboleda-Tham Syndrome and no experimental evidence demonstrating its impact on protein function have been reported. ClinVar contains an entry for this variant (Variation ID: 2888973). Based on the evidence outlined above, the variant was classified as likely benign.

NM_006766.5(KAT6A):c.2829G>T (p.Gly943=)

Gene: KAT6A (lysine acetyltransferase 6A; minus strand). Cytogenetic location: 8p11.21.
Variant type: single nucleotide variant.
Coding change: c.2829G>T on transcript NM_006766.5 (MANE Select); coding-DNA position 2829, G replaced by T.
Protein change: p.Gly943=; no amino-acid change (glycine 943 retained).
Molecular consequence: synonymous variant.
Genome position (GRCh38, 1-based): chr8:41,941,052, C>A on the plus strand (G>T on the coding strand, the complement: KAT6A is on the minus strand). VCF-style: chr8-41941052-C-A. GRCh37 (hg19) VCF-style: chr8-41798570-C-A.
Identifiers: ClinVar variation 2888973 (VCV002888973.4), dbSNP rs986552096, ClinGen allele CA175944507.